The following is an entry in ClinVar:

NM_007294.4(BRCA1):c.344del (p.Pro115fs)

Gene: BRCA1 (BRCA1 DNA repair associated; minus strand). Cytogenetic location: 17q21.31.
Variant type: Deletion.
Coding change: c.344del on transcript NM_007294.4 (MANE Select); coding-DNA position 344, one base deleted (C; older notation c.344delC).
Protein change: p.Pro115fs; shifts the reading frame from proline 115.
Molecular consequence: frameshift variant. On other transcripts: 5 prime UTR variant (7), intron variant (2).
Genome position (GRCh38, 1-based): chr17:43,104,219, G deleted on the plus strand (C on the coding strand, the reverse complement: BRCA1 is on the minus strand); the first of 2 consecutive G bases (chr17:43,104,219-43,104,220); deleting either gives the same sequence. VCF-style (leftmost placement, unchanged base first): chr17-43104218-AG-A. GRCh37 (hg19) VCF-style: chr17-41256235-AG-A.
Other names: c.134del, p.Pro45fs (NM_001407956.1, NM_001407957.1, NM_001407958.1 and 58 more transcripts); c.-38del (NM_001407959.1, NM_001407960.1, NM_001407962.1 and 4 more transcripts); c.344del, p.Pro115fs (NM_001407968.1, NM_001407969.1, NM_001407648.1 and 164 more transcripts); c.203del, p.Pro68fs (NM_001407964.1, NM_001407692.1, NM_001407694.1 and 99 more transcripts); c.266del, p.Pro89fs (NM_001407653.1, NM_001407654.1, NM_001407655.1 and 21 more transcripts); c.335del, p.Pro112fs (NM_001408408.1, NM_001407646.1, NM_001407647.1); c.212del, p.Pro71fs (NM_001408451.1); c.343delC, p.Pro115Leufs (NM_007304.2); and 1 more; short protein forms P68fs, P71fs, P89fs, P112fs, P115fs, P45fs.
Identifiers: ClinVar variation 2759632 (VCV002759632.3), dbSNP rs2552252029, ClinGen allele CA2697559890.

ClinVar aggregate classification (germline): Pathogenic (1 of 4 stars; one submission).

Conditions:
Hereditary breast ovarian cancer syndrome. Also called: Hereditary breast and ovarian cancer syndrome (HBOC); Hereditary breast and/or ovarian cancer syndrome; Hereditary breast and ovarian cancer syndrome; Breast and ovarian cancer; Hereditary breast and ovarian cancer; BRCA1- and BRCA2-Associated Hereditary Breast and Ovarian Cancer. Identifiers: Orphanet 145, MedGen C0677776, MeSH D061325, MONDO:0003582. Disease mechanism: loss of function.

Submission:

Labcorp Genetics (formerly Invitae), Labcorp
Classification: Pathogenic for Hereditary breast ovarian cancer syndrome. Last evaluated: 2023-09-13. Review status: criteria provided, single submitter. Criteria: Invitae Variant Classification Sherloc (09022015). Collection method: clinical testing. Allele origin: germline.
Comment: For these reasons, this variant has been classified as Pathogenic. This premature translational stop signal has been observed in individual(s) with BRCA1-related conditions (PMID: 29061375). This variant is not present in population databases (gnomAD no frequency). This sequence change creates a premature translational stop signal (p.Pro115Leufs*4) in the BRCA1 gene. It is expected to result in an absent or disrupted protein product. Loss-of-function variants in BRCA1 are known to be pathogenic (PMID: 20104584).

Literature cited by the submitters: PubMed 29061375; PubMed 20104584.